The following is an entry in ClinVar:

NM_001365276.2(TNXB):c.12058+5C>T

Genes: TNXB (tenascin XB; minus strand), LOC106780803 (tenascin XB recombination region; plus strand). Cytogenetic location: 6p21.33.
Variant type: single nucleotide variant.
Coding change: c.12058+5C>T on transcript NM_001365276.2 (MANE Select); 5 bases into the intron after coding-DNA position 12058, C replaced by T.
Molecular consequence: intron variant.
Genome position (GRCh38, 1-based): chr6:32,042,694, G>A on the plus strand (C>T on the coding strand, the complement: TNXB is on the minus strand). VCF-style: chr6-32042694-G-A. GRCh37 (hg19) VCF-style: chr6-32010471-G-A.
Other names: c.12052+5C>T (NM_019105.8); c.12799+5C>T (NM_001428335.1); c.1345+5C>T (NM_032470.4).
Identifiers: ClinVar variation 4853009 (VCV004853009.1).

ClinVar aggregate classification (germline): Uncertain significance (1 of 4 stars; one submission).

Submission:

Women's Health and Genetics/Laboratory Corporation of America, LabCorp
Classification: Uncertain significance. Last evaluated: 2026-05-18. Review status: criteria provided, single submitter. Criteria: LabCorp Variant Classification Summary - May 2015. Collection method: clinical testing. Allele origin: germline.
Comment: Variant summary: TNXB c.12052+5C>T alters a conserved nucleotide located close to a canonical splice site and therefore could affect mRNA splicing, leading to a significantly altered protein sequence. Consensus agreement among computation tools predict no significant impact on normal splicing. However, these predictions have yet to be confirmed by functional studies. The variant allele was found at a frequency of 1.5e-05 in 131892 control chromosomes. The available data on variant occurrences in the general population are insufficient to allow any conclusion about variant significance. To our knowledge, no occurrence of c.12052+5C>T in individuals affected with TNXB-related conditions and no experimental evidence demonstrating its impact on protein function have been reported. No submitters have cited clinical-significance assessments for this variant to ClinVar. Based on the evidence outlined above, the variant was classified as uncertain significance.